The following is an entry in ClinVar:

NM_001370259.2(MEN1):c.657C>T (p.Ser219=)

Gene: MEN1 (menin 1; minus strand). Cytogenetic location: 11q13.1.
Variant type: single nucleotide variant.
Coding change: c.657C>T on transcript NM_001370259.2 (MANE Select); coding-DNA position 657, C replaced by T.
Protein change: p.Ser219=; no amino-acid change (serine 219 retained).
Molecular consequence: synonymous variant.
Genome position (GRCh38, 1-based): chr11:64,807,678, G>A on the plus strand (C>T on the coding strand, the complement: MEN1 is on the minus strand). VCF-style: chr11-64807678-G-A. GRCh37 (hg19) VCF-style: chr11-64575150-G-A.
Other names: c.672C>T, p.Ser224= (NM_130801.3, NM_130802.3, NM_130803.3 and 3 more transcripts); c.657C>T, p.Ser219= (NM_001370251.2, NM_001370260.2, NM_001370261.2 and 1 more transcripts); c.552C>T, p.Ser184= (NM_001370262.2, NM_001370263.2); c.657C>T (NM_130799.2).
Identifiers: ClinVar variation 1079597 (VCV001079597.11), dbSNP rs2059889716, ClinGen allele CA475162818.

ClinVar aggregate classification (germline): Conflicting classifications of pathogenicity. Review status: criteria provided, conflicting classifications (1 of 4 stars). 3 submissions from 3 submitters: Uncertain significance (1); Likely benign (2). Last evaluated 2024-06-04.

Conditions:
Hereditary cancer-predisposing syndrome. Also called: Neoplastic Syndromes, Hereditary; Hereditary neoplastic syndrome; Tumor predisposition; Hereditary Cancer Syndrome. Identifiers: Orphanet 140162, MedGen C0027672, MeSH D009386, MONDO:0015356.
Multiple endocrine neoplasia, type 1 (MEN1). Also called: MEN I; WERMER SYNDROME; Endocrine adenomatosis multiple; MEN 1; MEA I. Identifiers: Orphanet 652, MedGen C0025267, MeSH D018761, MONDO:0007540, OMIM 131100.

Allele frequency attached by ClinVar (database versions not stated): gnomAD exomes below 0.00001.
gnomAD v4.1: 1 of 1,614,146 alleles (0.000062%); highest among the groups gnomAD compares: Non-Finnish European, 0.000085%; no homozygotes.

Submissions (3):

Labcorp Genetics (formerly Invitae), Labcorp
Classification: Likely benign for Multiple endocrine neoplasia, type 1. Last evaluated: 2024-06-04. Review status: criteria provided, single submitter. Criteria: Invitae Variant Classification Sherloc (09022015). Collection method: clinical testing. Allele origin: germline.

GeneDx
Classification: Uncertain significance. Last evaluated: 2024-02-09. Review status: criteria provided, single submitter. Criteria: GeneDx Variant Classification Process June 2021. Collection method: clinical testing. Allele origin: germline. Affected: yes.
Comment: Not observed at significant frequency in large population cohorts (gnomAD); In silico analysis supports that this variant does not alter splicing; Has not been previously published as pathogenic or benign to our knowledge

Ambry Genetics
Classification: Likely benign for Hereditary cancer-predisposing syndrome. Last evaluated: 2023-05-21. Review status: criteria provided, single submitter. Criteria: Ambry Variant Classification Scheme 2023. Collection method: clinical testing. Allele origin: germline.